The following is an entry in ClinVar:

NM_031885.5(BBS2):c.823C>T (p.Arg275Ter)

Gene: BBS2 (Bardet-Biedl syndrome 2; minus strand). Cytogenetic location: 16q13.
Variant type: single nucleotide variant.
Coding change: c.823C>T on transcript NM_031885.5 (MANE Select); coding-DNA position 823, C replaced by T.
Protein change: p.Arg275Ter; replaces arginine 275 with a stop codon.
Molecular consequence: nonsense. On other transcripts: non-coding transcript variant (5).
Genome position (GRCh38, 1-based): chr16:56,502,790, G>A on the plus strand (C>T on the coding strand, the complement: BBS2 is on the minus strand). VCF-style: chr16-56502790-G-A. GRCh37 (hg19) VCF-style: chr16-56536702-G-A.
Other names: c.823C>T, p.Arg275Ter (NM_001377456.1); short protein forms R275*.
Identifiers: ClinVar variation 4572 (VCV000004572.82), dbSNP rs121908177, ClinGen allele CA253237.
Genomic context (GRCh38, chr16:56,502,790, plus strand): 5'-CCTCTACCACACCGGCAATTGCAGAAGAAAAATTGTCCTTAAAGATGACCTCCCCAGTTC[G>A]GTCACTTCGAGCATCAACCTACAAATAAAACACAAATTTAAAAGTTGCTTATGCTACATG-3'

ClinVar aggregate classification (germline): Pathogenic/Likely pathogenic. Review status: criteria provided, multiple submitters, no conflicts (2 of 4 stars). 18 submissions from 18 submitters: Pathogenic (16); Likely pathogenic (1). 1 of the submissions does not count toward it. Last evaluated 2026-07-24.

Conditions:
Retinitis pigmentosa 74 (RP74). Identifiers: Orphanet 791, MedGen C4225281, MONDO:0014692, OMIM 616562.
Bardet-Biedl syndrome 2 (BBS2). Identifiers: Orphanet 110, MedGen C2936863, MONDO:0014432, OMIM 615981.
BBS2-related disorder. Also called: BBS2-related disorders; BBS2-related condition. Identifiers: MedGen CN239228.
Retinal dystrophy. Also called: Inherited retinal dystrophy. Identifiers: Orphanet 71862, MedGen C0854723, MeSH D058499, MONDO:0019118, HP:0000556.
Bardet-Biedl syndrome (BBS). Identifiers: Orphanet 110, MedGen C0752166, MONDO:0015229.

Allele frequency attached by ClinVar (database versions not stated): TOPMed 0.00006; gnomAD 0.00009 and 0.00010; 1000 Genomes Project 30x 0.00016; gnomAD exomes 0.00019; ExAC 0.00021.
gnomAD v4.1: 416 of 1,613,980 alleles (0.026%); highest among the groups gnomAD compares: Non-Finnish European, 0.028%; no homozygotes.

Submissions 1 to 14 of 18:

PreventionGenetics, part of Exact Sciences
Classification: Pathogenic for BBS2-related condition. Last evaluated: 2026-07-24. Review status: criteria provided, single submitter. Criteria: ACMG Guidelines, 2015. Collection method: clinical testing. Allele origin: germline.
Comment: The BBS2 c.823C>T variant is predicted to result in premature protein termination (p.Arg275*). This variant has been reported in the homozygous state or with a second potentially causative variant in the same gene in many individuals with Bardet-Biedl syndrome (see for example, Katsanis et al. 2001. PubMed ID: 11567139; Lei et al. 2017. PubMed ID: 28387813; Álvarez-Satta et al. 2017. PubMed ID: 28502102; Meyer et al. 2022. PubMed ID: 35112343). This variant is reported in 0.064% of alleles in individuals of European (Finnish) descent in gnomAD. Nonsense variants in BBS2 are expected to be pathogenic. This variant is interpreted as pathogenic.

Labcorp Genetics (formerly Invitae), Labcorp
Classification: Pathogenic for Bardet-Biedl syndrome. Last evaluated: 2026-01-18. Review status: criteria provided, single submitter. Criteria: Invitae Variant Classification Sherloc (09022015). Collection method: clinical testing. Allele origin: germline.
Comment: This sequence change creates a premature translational stop signal (p.Arg275*) in the BBS2 gene. It is expected to result in an absent or disrupted protein product. Loss-of-function variants in BBS2 are known to be pathogenic (PMID: 11285252, 20177705, 24608809, 26518167). This variant is present in population databases (rs121908177, gnomAD 0.07%). This premature translational stop signal has been observed in individuals with Bardet-Biedl syndrome (PMID: 11285252, 11567139, 12837689, 21052717, 21642631). ClinVar contains an entry for this variant (Variation ID: 4572). For these reasons, this variant has been classified as Pathogenic.

Natera, Inc.
Classification: Pathogenic for Bardet-Biedl syndrome type 2. Last evaluated: 2026-01-08. Review status: criteria provided, single submitter. Criteria: Natera Variant Classification Schema (03/2026). Collection method: clinical testing. Allele origin: germline.
Comment: The c.823C>T variant in BBS2 is a nonsense variant predicted to introduce a stop codon at amino acid 275. This variant is expected to result in nonsense mediated decay, truncation, or a dysfunctional protein product. This variant is rare in the general population with a frequency below the threshold expected for the associated phenotype(s). This variant has been observed in one or more individuals affected with the associated recessive disease, as either homozygous or compound heterozygous with a second variant (PMID: 11285252). Given the available evidence, this variant is classified as Pathogenic.

Genetics Laboratory, Great Ormond Street Hospital NHS Foundation Trust, North Thames Genomic Laboratory Hub
Classification: Pathogenic for Bardet Biedl syndrome. Last evaluated: 2025-12-10. Review status: criteria provided, single submitter. Criteria: ACGS Best Practice Guidelines for Variant Classification in Rare Disease 2024 v1.2. Collection method: clinical testing. Allele origin: germline. Affected: yes.
Comment: PVS1_very-strong, PM3_moderate

Victorian Clinical Genetics Services, Murdoch Childrens Research Institute
Classification: Pathogenic for Bardet-Biedl syndrome 2. Last evaluated: 2025-06-23. Review status: criteria provided, single submitter. Criteria: ACMG Guidelines, 2015. Collection method: clinical testing. Allele origin: germline. Affected: no.
Comment: This variant is classified as Pathogenic. Evidence in support of pathogenic classification: Variant is predicted to cause nonsense-mediated decay (NMD) and loss of protein (premature termination codon is located at least 54 nucleotides upstream of the final exon-exon junction); Variant is present in gnomAD <0.01 for a recessive condition (v4: 416 heterozygote(s), 0 homozygote(s)); This variant has strong previous evidence of pathogenicity in unrelated individuals. This variant has been classified as pathogenic by multiple clinical laboratories (ClinVar). This variant has been reported in a homozygous individual affected with Bardet-Biedl syndrome (PMID: 11285252); Other NMD-predicted variant(s) comparable to the one identified in this case have very strong previous evidence for pathogenicity (DECIPHER). Additional information: This variant is heterozygous; This gene is associated with autosomal recessive disease; Loss of function is a known mechanism of disease in this gene and is associated with Bardet-Biedl syndrome 2 (MIM#615981) and retinitis pigmentosa 74 (MIM#616562).

Blueprint Genetics
Classification: Pathogenic for BBS2-related disorders. Last evaluated: 2024-10-22. Review status: criteria provided, single submitter. Criteria: ACMG Guidelines, 2015. Collection method: clinical testing. Allele origin: germline. Affected: yes. Observed: 5 variant alleles.

Fulgent Genetics
Classification: Pathogenic for Bardet-Biedl syndrome 2; Retinitis pigmentosa 74. Last evaluated: 2024-05-20. Review status: criteria provided, single submitter. Criteria: ACMG Guidelines, 2015. Collection method: clinical testing. Allele origin: germline.

Baylor Genetics
Classification: Pathogenic for Bardet-Biedl syndrome 2. Last evaluated: 2024-03-28. Review status: criteria provided, single submitter. Criteria: ACMG Guidelines, 2015. Collection method: clinical testing. Allele origin: unknown.

Genetics and Molecular Pathology, SA Pathology
Classification: Pathogenic for Retinitis pigmentosa 74. Last evaluated: 2021-07-25. Review status: criteria provided, single submitter. Criteria: ACMG Guidelines, 2015. Collection method: clinical testing. Allele origin: germline. Affected: yes.

GeneDx
Classification: Pathogenic. Last evaluated: 2021-06-01. Review status: criteria provided, single submitter. Criteria: GeneDx Variant Classification Process June 2021. Collection method: clinical testing. Allele origin: germline. Affected: yes.
Comment: Identified in the homozygous state or with a pathogenic variant on the opposite allele in multiple unrelated patients with Bardet-Biedl syndrome referred for genetic testing at GeneDx and in the published literature (Katsanis et al., 2001; Bandano et al., 2003; Janssen et al., 2011; Olson et al., 2018); Nonsense variant predicted to result in protein truncation or nonsense mediated decay in a gene for which loss-of-function is a known mechanism of disease; This variant is associated with the following publications: (PMID: 11285252, 11567139, 25525159, 28502102, 28559085, 21642631, 12837689, 21052717, 30293640, 28387813, 27535533, 31980526, 31589614)

Institute of Human Genetics, Univ. Regensburg, Univ. Regensburg
Classification: Pathogenic for Retinal dystrophy. Last evaluated: 2021-01-01. Review status: criteria provided, single submitter. Criteria: ACMG Guidelines, 2015. Collection method: clinical testing. Allele origin: germline. Affected: yes.

New York Genome Center
Classification: Likely pathogenic for Bardet-Biedl syndrome 2; Retinitis pigmentosa 74. Last evaluated: 2020-11-30. Review status: criteria provided, single submitter. Criteria: NYGC Assertion Criteria 2020. Collection method: clinical testing. Allele origin: germline. Observed: 1 heterozygote.

Myriad Genetics, Inc.
Classification: Pathogenic for Bardet-Biedl syndrome 2. Last evaluated: 2019-12-20. Review status: criteria provided, single submitter. Criteria: Myriad Women's Health Autosomal Recessive and X-Linked Classification Criteria (2019). Collection method: clinical testing. Allele origin: unknown.
Comment: NM_031885.3(BBS2):c.823C>T(R275*) is classified as pathogenic in the context of BBS2-related Bardet-Biedl Syndrome. Sources cited for classification include the following: PMID 11567139 and 11285252. Classification of NM_031885.3(BBS2):c.823C>T(R275*) is based on the following criteria: The variant causes a premature termination codon that is expected to be targeted by nonsense-mediated mRNA decay and is reported in individuals with the relevant phenotype. Please note: this variant was assessed in the context of healthy population screening.

CeGaT Center for Human Genetics Tuebingen
Classification: Pathogenic. Last evaluated: 2019-09-01. Review status: criteria provided, single submitter. Criteria: CeGaT Center For Human Genetics Tuebingen Variant Classification Criteria Version 2. Collection method: clinical testing. Allele origin: germline. Affected: yes. Observed: 3 variant alleles.